The following is an entry in ClinVar:

NM_000053.4(ATP7B):c.3695_3697del (p.Thr1232_Gln1233delinsLys)

Gene: ATP7B (ATPase copper transporting beta; minus strand). Cytogenetic location: 13q14.3.
Variant type: Deletion.
Coding change: c.3695_3697del on transcript NM_000053.4 (MANE Select); coding-DNA positions 3695 to 3697, 3 bases deleted (CCC; older notation c.3695_3697delCCC).
Protein change: p.Thr1232_Gln1233delinsLys.
Molecular consequence: inframe indel.
Genome position (GRCh38, 1-based): chr13:51,939,053-51,939,055, GGG deleted on the plus strand (CCC on the coding strand, the reverse complement: ATP7B is on the minus strand). VCF-style (leftmost placement, unchanged base first): chr13-51939052-TGGG-T. GRCh37 (hg19) VCF-style: chr13-52513188-TGGG-T.
Other names: c.3074_3076del, p.Thr1025_Gln1026delinsLys (NM_001005918.3); c.3362_3364del, p.Thr1121_Gln1122delinsLys (NM_001243182.2); c.3461_3463del, p.Thr1154_Gln1155delinsLys (NM_001330578.2); c.3443_3445del, p.Thr1148_Gln1149delinsLys (NM_001330579.2).
Identifiers: ClinVar variation 917729 (VCV000917729.1), dbSNP rs1957150974, ClinGen allele CA1139663300.
Genomic context (GRCh38, chr13:51,939,052, plus strand): 5'-CTTTTGTCTCTAACTGCTTTTATGAGCTTTACACAGTTTGCAACATTAAAGGGCTGTACC[TGGG>T]TGGCAATAGCTCTGGCTGTCTTCCGGTTGTCCCCCGTGATCAGAACCACGTCCACACCCA-3'

ClinVar aggregate classification (germline): Uncertain significance (1 of 4 stars; one submission).

Submission:

Women's Health and Genetics/Laboratory Corporation of America, LabCorp
Classification: Uncertain significance. Last evaluated: 2020-02-27. Review status: criteria provided, single submitter. Criteria: LabCorp Variant Classification Summary - May 2015. Collection method: clinical testing. Allele origin: germline.
Comment: Variant summary: ATP7B c.3695_3697delCCC (p.Thr1232_Gln1233delinsLys) results in an in-frame deletion-insertion that is predicted to delete one amino acid from the protein and also cause changes in one amino acid. 4/4 computational tools predict no significant impact on normal splicing. However, these predictions have yet to be confirmed by functional studies. The variant was absent in 249572 control chromosomes (gnomAD). The available data on variant occurrences in the general population are insufficient to allow any conclusion about variant significance. To our knowledge, no occurrence of c.3695_3697delCCC in individuals affected with Wilson Disease and no experimental evidence demonstrating an impact on protein function have been reported. No clinical diagnostic laboratories have submitted clinical-significance assessments for this variant to ClinVar after 2014. Based on the evidence outlined above, the variant was classified as uncertain significance.